The following is an entry in ClinVar:

ClinVar aggregate classification (germline): Conflicting classifications of pathogenicity. Review status: criteria provided, conflicting classifications (1 of 4 stars). 2 submissions from 2 submitters: Uncertain significance (1); Likely benign (1). Last evaluated 2025-02-06.

Conditions:
Bilateral microtia-deafness-cleft palate syndrome. Identifiers: Orphanet 140963, MedGen C2676772, MONDO:0012854, OMIM 612290.
HOXA2-related disorder. Also called: HOXA2-related condition.

Allele frequency attached by ClinVar (database versions not stated): gnomAD exomes 0.00004 and 0.00013; ExAC 0.00030; gnomAD 0.00050; TOPMed 0.00050; 1000 Genomes Project 0.00120; 1000 Genomes Project 30x 0.00141.

Submissions (2):

PreventionGenetics, part of Exact Sciences
Classification: Likely benign for HOXA2-related condition. Last evaluated: 2025-02-06. Review status: criteria provided, single submitter. Criteria: ACMG Guidelines, 2015. Collection method: clinical testing. Allele origin: germline.
Comment: This variant is classified as likely benign based on ACMG/AMP sequence variant interpretation guidelines (Richards et al. 2015 PMID: 25741868, with internal and published modifications).

Illumina Laboratory Services, Illumina
Classification: Uncertain significance for Bilateral microtia-deafness-cleft palate syndrome. Last evaluated: 2018-01-13. Review status: criteria provided, single submitter. Criteria: ICSL Variant Classification Criteria 13 December 2019. Collection method: clinical testing. Allele origin: germline.

NM_006735.4(HOXA2):c.338C>T (p.Ala113Val)

Gene: HOXA2 (homeobox A2; minus strand). Cytogenetic location: 7p15.2.
Variant type: single nucleotide variant.
Coding change: c.338C>T on transcript NM_006735.4 (MANE Select); coding-DNA position 338, C replaced by T.
Protein change: p.Ala113Val; replaces alanine 113 with valine.
Molecular consequence: missense variant.
Genome position (GRCh38, 1-based): chr7:27,102,163, G>A on the plus strand (C>T on the coding strand, the complement: HOXA2 is on the minus strand). VCF-style: chr7-27102163-G-A. GRCh37 (hg19) VCF-style: chr7-27141782-G-A.
Other names: short protein forms A113V.
Identifiers: ClinVar variation 908611 (VCV000908611.5), dbSNP rs200386246, ClinGen allele CA4196273.